The following is an entry in ClinVar:

ClinVar aggregate classification (germline): Uncertain significance (1 of 4 stars; one submission).

Conditions:
Nemaline myopathy 2 (NEM2). Also called: Nemaline myopathy 2, autosomal recessive. Identifiers: MedGen C1850569, MONDO:0009725, OMIM 256030.

Submission:

Labcorp Genetics (formerly Invitae), Labcorp
Classification: Uncertain significance for Nemaline myopathy 2. Last evaluated: 2023-07-07. Review status: criteria provided, single submitter. Criteria: Invitae Variant Classification Sherloc (09022015). Collection method: clinical testing. Allele origin: germline.
Comment: This sequence change replaces alanine, which is neutral and non-polar, with serine, which is neutral and polar, at codon 1222 of the NEB protein (p.Ala1222Ser). This variant is not present in population databases (gnomAD no frequency). In summary, the available evidence is currently insufficient to determine the role of this variant in disease. Therefore, it has been classified as a Variant of Uncertain Significance. Experimental studies and prediction algorithms are not available or were not evaluated, and the functional significance of this variant is currently unknown. ClinVar contains an entry for this variant (Variation ID: 2197007). This variant has not been reported in the literature in individuals affected with NEB-related conditions.

NM_001164508.2(NEB):c.3664G>T (p.Ala1222Ser)

Gene: NEB (nebulin; minus strand). Cytogenetic location: 2q23.3.
Variant type: single nucleotide variant.
Coding change: c.3664G>T on transcript NM_001164508.2 (MANE Select); coding-DNA position 3664, G replaced by T.
Protein change: p.Ala1222Ser; replaces alanine 1222 with serine.
Molecular consequence: missense variant.
Genome position (GRCh38, 1-based): chr2:151,677,675, C>A on the plus strand (G>T on the coding strand, the complement: NEB is on the minus strand). VCF-style: chr2-151677675-C-A. GRCh37 (hg19) VCF-style: chr2-152534189-C-A.
Other names: c.3664G>T, p.Ala1222Ser (NM_001164507.2, NM_001271208.2, NM_004543.5); short protein forms A1222S.
Identifiers: ClinVar variation 2197007 (VCV002197007.3), dbSNP rs2154209804, ClinGen allele CA348818578.